The following is an entry in ClinVar:

ClinVar aggregate classification (germline): Uncertain significance (1 of 4 stars; one submission).

Allele frequency attached by ClinVar (database versions not stated): gnomAD exomes 0.00003; gnomAD 0.00005; TOPMed 0.00005; ExAC 0.00012; 1000 Genomes Project 30x 0.00016; 1000 Genomes Project 0.00020.
gnomAD v4.1: 47 of 1,613,942 alleles (0.0029%); highest among the groups gnomAD compares: East Asian, 0.06%; no homozygotes.

Submission:

Labcorp Genetics (formerly Invitae), Labcorp
Classification: Uncertain significance. Last evaluated: 2024-02-25. Review status: criteria provided, single submitter. Criteria: Invitae Variant Classification Sherloc (09022015). Collection method: clinical testing. Allele origin: germline.
Comment: This sequence change replaces arginine, which is basic and polar, with tryptophan, which is neutral and slightly polar, at codon 131 of the ITGB3 protein (p.Arg131Trp). This variant is present in population databases (rs199866698, gnomAD 0.2%). This variant has not been reported in the literature in individuals affected with ITGB3-related conditions. ClinVar contains an entry for this variant (Variation ID: 1907182). Advanced modeling of protein sequence and biophysical properties (such as structural, functional, and spatial information, amino acid conservation, physicochemical variation, residue mobility, and thermodynamic stability) performed at Invitae indicates that this missense variant is expected to disrupt ITGB3 protein function with a positive predictive value of 80%. In summary, the available evidence is currently insufficient to determine the role of this variant in disease. Therefore, it has been classified as a Variant of Uncertain Significance.

NM_000212.3(ITGB3):c.391C>T (p.Arg131Trp)

Gene: ITGB3 (integrin subunit beta 3; plus strand). Cytogenetic location: 17q21.32.
Variant type: single nucleotide variant.
Coding change: c.391C>T on transcript NM_000212.3 (MANE Select); coding-DNA position 391, C replaced by T.
Protein change: p.Arg131Trp; replaces arginine 131 with tryptophan.
Molecular consequence: missense variant.
Genome position (GRCh38, 1-based): chr17:47,284,472, C>T. VCF-style: chr17-47284472-C-T. GRCh37 (hg19) VCF-style: chr17-45361838-C-T.
Other names: short protein forms R131W.
Identifiers: ClinVar variation 1907182 (VCV001907182.4), dbSNP rs199866698, ClinGen allele CA8622952.